The following is an entry in ClinVar:

ClinVar aggregate classification (germline): Pathogenic (1 of 4 stars; one submission).

Submission:

Labcorp Genetics (formerly Invitae), Labcorp
Classification: Pathogenic. Last evaluated: 2022-09-23. Review status: criteria provided, single submitter. Criteria: Invitae Variant Classification Sherloc (09022015). Collection method: clinical testing. Allele origin: germline.
Comment: A gross deletion of the genomic region encompassing the full coding sequence of the PHEX gene has been identified. Loss-of-function variants in PHEX are known to be pathogenic (PMID: 9097956, 9106524, 19219621). The boundaries of this event are unknown as they extend beyond the assayed region for this gene and therefore may encompass additional genes. This variant has not been reported in the literature in individuals affected with PHEX-related conditions. For these reasons, this variant has been classified as Pathogenic.

Literature cited by the submitters: PubMed 9097956; PubMed 9106524; PubMed 19219621.

NC_000023.10:g.(?_22050695)_(22266301_?)del

Gene: PHEX (phosphate regulating endopeptidase X-linked; plus strand). Cytogenetic location: Xp22.11.
Variant type: Deletion.
Identifiers: ClinVar variation 2423101 (VCV002423101.3).